The following is an entry in ClinVar:

NM_000393.5(COL5A2):c.1716+13C>T

Gene: COL5A2 (collagen type V alpha 2 chain; minus strand). Cytogenetic location: 2q32.2.
Variant type: single nucleotide variant.
Coding change: c.1716+13C>T on transcript NM_000393.5 (MANE Select); 13 bases into the intron after coding-DNA position 1716, C replaced by T.
Molecular consequence: intron variant.
Genome position (GRCh38, 1-based): chr2:189,064,544, G>A on the plus strand (C>T on the coding strand, the complement: COL5A2 is on the minus strand). VCF-style: chr2-189064544-G-A. GRCh37 (hg19) VCF-style: chr2-189929270-G-A.
Identifiers: ClinVar variation 2956238 (VCV002956238.3), dbSNP rs779517028, ClinGen allele CA1315431031.

ClinVar aggregate classification (germline): Uncertain significance (1 of 4 stars; one submission).

Conditions:
Ehlers-Danlos syndrome, classic type, 1 (EDSCL1). Also called: EDS I; EHLERS-DANLOS SYNDROME, GRAVIS TYPE; EHLERS-DANLOS SYNDROME, SEVERE CLASSIC TYPE; Ehlers-Danlos syndrome, type 1; Ehlers-Danlos Syndrome, Classic Type, COL5A1-Related. Identifiers: MedGen C0268335, MONDO:0019567, OMIM 130000.

Submission:

Labcorp Genetics (formerly Invitae), Labcorp
Classification: Uncertain significance for Ehlers-Danlos syndrome, classic type, 1. Last evaluated: 2023-02-14. Review status: criteria provided, single submitter. Criteria: Invitae Variant Classification Sherloc (09022015). Collection method: clinical testing. Allele origin: germline.
Comment: This sequence change falls in intron 25 of the COL5A2 gene. It does not directly change the encoded amino acid sequence of the COL5A2 protein. In summary, the available evidence is currently insufficient to determine the role of this variant in disease. Therefore, it has been classified as a Variant of Uncertain Significance. Algorithms developed to predict the effect of sequence changes on RNA splicing suggest that this variant may create or strengthen a splice site. This variant has not been reported in the literature in individuals affected with COL5A2-related conditions. This variant is not present in population databases (gnomAD no frequency).